The following is an entry in ClinVar:

NM_001384732.1(CPLANE1):c.9346G>A (p.Gly3116Arg)

Gene: CPLANE1 (ciliogenesis and planar polarity effector complex subunit 1; minus strand). Cytogenetic location: 5p13.2.
Variant type: single nucleotide variant.
Coding change: c.9346G>A on transcript NM_001384732.1 (MANE Select); coding-DNA position 9346, G replaced by A.
Protein change: p.Gly3116Arg; replaces glycine 3116 with arginine.
Molecular consequence: missense variant.
Genome position (GRCh38, 1-based): chr5:37,115,014, C>T on the plus strand (G>A on the coding strand, the complement: CPLANE1 is on the minus strand). VCF-style: chr5-37115014-C-T. GRCh37 (hg19) VCF-style: chr5-37115116-C-T.
Other names: c.9184G>A, p.Gly3062Arg (NM_023073.4); short protein forms G3062R, G3116R.
Identifiers: ClinVar variation 158060 (VCV000158060.22), dbSNP rs7702892, ClinGen allele CA171473.

ClinVar aggregate classification (germline): Benign. Review status: criteria provided, multiple submitters, no conflicts (2 of 4 stars). 7 submissions from 7 submitters: Benign (6). 1 of the submissions does not count toward it. Last evaluated 2026-02-04.

Conditions:
Joubert syndrome 17 (JBTS17). Identifiers: Orphanet 475, MedGen C3553264, MONDO:0013824, OMIM 614615.

Allele frequency attached by ClinVar (database versions not stated): gnomAD exomes 0.00202 and 0.00540; ExAC 0.00805; gnomAD 0.02157 and 0.02310; TOPMed 0.02381; 1000 Genomes Project 30x 0.02389; 1000 Genomes Project 0.02476; ESP Exome Variant Server 0.02630.

Submissions (7):

Labcorp Genetics (formerly Invitae), Labcorp
Classification: Benign. Last evaluated: 2026-02-04. Review status: criteria provided, single submitter. Criteria: Invitae Variant Classification Sherloc (09022015). Collection method: clinical testing. Allele origin: germline.

Mayo Clinic Laboratories, Mayo Clinic
Classification: Benign. Last evaluated: 2023-04-03. Review status: criteria provided, single submitter. Criteria: ACMG Guidelines, 2015. Collection method: clinical testing. Allele origin: germline. Observed: 3 variant alleles.

Illumina Laboratory Services, Illumina
Classification: Benign for Joubert syndrome 17. Last evaluated: 2018-01-12. Review status: criteria provided, single submitter. Criteria: ICSL Variant Classification Criteria 13 December 2019. Collection method: clinical testing. Allele origin: germline.
Comment: This variant was observed in the ICSL laboratory as part of a predisposition screen in an ostensibly healthy population. It had not been previously curated by ICSL or reported in the Human Gene Mutation Database (HGMD: prior to June 1st, 2018), and was therefore a candidate for classification through an automated scoring system. Utilizing variant allele frequency, disease prevalence and penetrance estimates, and inheritance mode, an automated score was calculated to assess if this variant is too frequent to cause the disease. Based on the score and internal cut-off values, a variant classified as benign is not then subjected to further curation. The score for this variant resulted in a classification of benign for this disease.

GeneDx
Classification: Benign. Last evaluated: 2016-10-03. Review status: criteria provided, single submitter. Criteria: GeneDx Variant Classification (06012015). Collection method: clinical testing. Allele origin: germline. Affected: yes.
Comment: This variant is considered likely benign or benign based on one or more of the following criteria: it is a conservative change, it occurs at a poorly conserved position in the protein, it is predicted to be benign by multiple in silico algorithms, and/or has population frequency not consistent with disease.

Breakthrough Genomics
Classification: Benign. Review status: criteria provided, single submitter. Criteria: ACMG Guidelines, 2015. Collection method: not provided. Allele origin: germline. Inheritance: Autosomal recessive inheritance. Affected: yes.

PreventionGenetics, part of Exact Sciences
Classification: Benign. Review status: criteria provided, single submitter. Criteria: ACMG Guidelines, 2015. Collection method: clinical testing. Allele origin: germline.

Genetic Services Laboratory, University of Chicago
Classification: Likely benign. Review status: no assertion criteria provided. Collection method: clinical testing. Allele origin: germline. Inheritance: Autosomal recessive inheritance. Not counted in ClinVar's aggregate classification.
Comment: Likely benign based on allele frequency in 1000 Genomes Project or ESP global frequency and its presence in a patient with a rare or unrelated disease phenotype. NOT Sanger confirmed